The following is an entry in ClinVar:

ClinVar aggregate classification (germline): Uncertain significance (1 of 4 stars; one submission).

gnomAD v4.1: 1 of 1,546,450 alleles (0.000065%); highest among the groups gnomAD compares: Non-Finnish European, 0.000088%; no homozygotes.

Submission:

Labcorp Genetics (formerly Invitae), Labcorp
Classification: Uncertain significance. Last evaluated: 2024-08-27. Review status: criteria provided, single submitter. Criteria: Invitae Variant Classification Sherloc (09022015). Collection method: clinical testing. Allele origin: germline.
Comment: This sequence change replaces valine, which is neutral and non-polar, with glutamic acid, which is acidic and polar, at codon 827 of the PROM1 protein (p.Val827Glu). This variant is not present in population databases (gnomAD no frequency). This variant has not been reported in the literature in individuals affected with PROM1-related conditions. Invitae Evidence Modeling of protein sequence and biophysical properties (such as structural, functional, and spatial information, amino acid conservation, physicochemical variation, residue mobility, and thermodynamic stability) has been performed for this missense variant. However, the output from this modeling did not meet the statistical confidence thresholds required to predict the impact of this variant on PROM1 protein function. In summary, the available evidence is currently insufficient to determine the role of this variant in disease. Therefore, it has been classified as a Variant of Uncertain Significance.

NM_006017.3(PROM1):c.2480T>A (p.Val827Glu)

Gene: PROM1 (prominin 1; minus strand). Cytogenetic location: 4p15.32.
Variant type: single nucleotide variant.
Coding change: c.2480T>A on transcript NM_006017.3 (MANE Select); coding-DNA position 2480, T replaced by A.
Protein change: p.Val827Glu; replaces valine 827 with glutamic acid.
Molecular consequence: missense variant.
Genome position (GRCh38, 1-based): chr4:15,980,431, A>T on the plus strand (T>A on the coding strand, the complement: PROM1 is on the minus strand). VCF-style: chr4-15980431-A-T. GRCh37 (hg19) VCF-style: chr4-15982054-A-T.
Other names: c.2453T>A, p.Val818Glu (NM_001145848.2, NM_001145851.2, NM_001145852.2 and 4 more transcripts); c.2480T>A, p.Val827Glu (NM_001145849.2, NM_001145850.2); short protein forms V827E, V818E.
Identifiers: ClinVar variation 3645088 (VCV003645088.2).
Genomic context (GRCh38, chr4:15,980,431, plus strand): 5'-CAGCACCACCTAGAAAATGACCCCCACGTCTGTGGAAGCCCACATACTTACTCATCGTAC[A>T]CGTCCTCCGAATCCATTCGACGATAGTACTTAGCCAGTTTTACCGCAAAAATTAGAGCCG-3'
Protein context (NP_006008.1, residues 817-837): KYYRRMDSED[Val827Glu]YDDVETIPMK